The following is an entry in ClinVar:

ClinVar aggregate classification (germline): Likely pathogenic. Review status: criteria provided, multiple submitters, no conflicts (2 of 4 stars). 2 submissions from 2 submitters: Likely pathogenic (2). Last evaluated 2025-01-16.

Conditions:
ADA2 & CECR1-related disorders.
Sneddon syndrome (SNDNS). Also called: Idiopathic livedo reticularis with systemic involvement; LIVEDO RETICULARIS AND CEREBROVASCULAR ACCIDENTS. Identifiers: Orphanet 820, MedGen C0282492, MONDO:0008436, OMIM 182410.
Deficiency of adenosine deaminase 2. Also called: VASCULITIS, AUTOINFLAMMATION, IMMUNODEFICIENCY, AND HEMATOLOGIC DEFECTS SYNDROME; Polyarteritis nodosa, childhoood-onset; Adenosine Deaminase 2 Deficiency. Identifiers: Orphanet 404553, MedGen C3887654, MONDO:0014306, OMIM 615688, MONDO:0100317.

Allele frequency attached by ClinVar (database versions not stated): ExAC 0.00001; gnomAD exomes 0.00001; TOPMed 0.00002.
gnomAD v4.1: 16 of 1,613,794 alleles (0.00099%); highest among the groups gnomAD compares: Middle Eastern, 0.016%; no homozygotes.

Submissions (2):

First Genomix Gene Laboratory, Genetic Diagnostics Department
Classification: Likely pathogenic for Sneddon syndrome; Deficiency of adenosine deaminase 2. Last evaluated: 2025-01-16. Review status: criteria provided, single submitter. Criteria: ACMG Guidelines, 2015. Collection method: clinical testing. Allele origin: germline. Inheritance: Autosomal recessive inheritance. Affected: no. Observed: 1 variant allele.

Blueprint Genetics
Classification: Likely pathogenic for ADA2 & CECR1-related disorders. Last evaluated: 2022-07-07. Review status: criteria provided, single submitter. Criteria: ACMG Guidelines, 2015. Collection method: clinical testing. Allele origin: germline. Affected: yes. Observed: 2 variant alleles.

NM_001282225.2(ADA2):c.916C>T (p.Arg306Ter)

Gene: ADA2 (adenosine deaminase 2; minus strand). Cytogenetic location: 22q11.1.
Variant type: single nucleotide variant.
Coding change: c.916C>T on transcript NM_001282225.2 (MANE Select); coding-DNA position 916, C replaced by T.
Protein change: p.Arg306Ter; replaces arginine 306 with a stop codon.
Molecular consequence: nonsense.
Genome position (GRCh38, 1-based): chr22:17,189,998, G>A on the plus strand (C>T on the coding strand, the complement: ADA2 is on the minus strand). VCF-style: chr22-17189998-G-A. GRCh37 (hg19) VCF-style: chr22-17670888-G-A.
Other names: c.916C>T, p.Arg306Ter (NM_001282226.2); c.790C>T, p.Arg264Ter (NM_001282227.2, NM_001282228.2); c.556C>T, p.Arg186Ter (NM_001282229.2); c.193C>T, p.Arg65Ter (NM_177405.3); short protein forms R306*, R264*, R186*, R65*.
Identifiers: ClinVar variation 636596 (VCV000636596.3), dbSNP rs774963498, ClinGen allele CA10088050.